The following is an entry in ClinVar:

ClinVar aggregate classification (germline): Likely benign. Review status: criteria provided, multiple submitters, no conflicts (2 of 4 stars). 2 submissions from 2 submitters: Likely benign (2). Last evaluated 2026-02-01.

gnomAD v4.1: 483 of 1,607,372 alleles (0.03%); highest among the groups gnomAD compares: Middle Eastern, 0.05%; 1 homozygote.

Submissions (2):

CeGaT Center for Human Genetics Tuebingen
Classification: Likely benign. Last evaluated: 2026-02-01. Review status: criteria provided, single submitter. Criteria: CeGaT Center For Human Genetics Tuebingen Variant Classification Criteria Version 2. Collection method: clinical testing. Allele origin: germline. Affected: yes. Observed: 1 variant allele.
Comment: GBF1: BS2

Women's Health and Genetics/Laboratory Corporation of America, LabCorp
Classification: Likely benign. Last evaluated: 2025-02-03. Review status: criteria provided, single submitter. Criteria: LabCorp Variant Classification Summary - May 2015. Collection method: clinical testing. Allele origin: germline.
Comment: Variant summary: GBF1 c.1376G>A (p.Arg459His) results in a non-conservative amino acid change located in the Mon2/Sec7/BIG1-like, HUS domain (IPR032691) of the encoded protein sequence. Four of five in-silico tools predict a damaging effect of the variant on protein function. The variant allele was found at a frequency of 0.0002 in 251154 control chromosomes. The observed variant frequency is approximately 200 fold of the estimated maximal expected allele frequency for a pathogenic variant in GBF1 causing Charcot-Marie-Tooth Disease, axonal, type 2GG phenotype (1e-06). To our knowledge, no occurrence of c.1376G>A in individuals affected with Charcot-Marie-Tooth Disease, axonal, type 2GG and no experimental evidence demonstrating its impact on protein function have been reported. No submitters have cited clinical-significance assessments for this variant to ClinVar. Based on the evidence outlined above, the variant was classified as likely benign.

NM_001377137.1(GBF1):c.1379G>A (p.Arg460His)

Gene: GBF1 (golgi brefeldin A resistant guanine nucleotide exchange factor 1; plus strand). Cytogenetic location: 10q24.32.
Variant type: single nucleotide variant.
Coding change: c.1379G>A on transcript NM_001377137.1 (MANE Select); coding-DNA position 1379, G replaced by A.
Protein change: p.Arg460His; replaces arginine 460 with histidine.
Molecular consequence: missense variant. On other transcripts: non-coding transcript variant (4), intron variant (1).
Genome position (GRCh38, 1-based): chr10:102,360,382, G>A. VCF-style: chr10-102360382-G-A. GRCh37 (hg19) VCF-style: chr10-104120139-G-A.
Other names: c.1475G>A, p.Arg492His (NM_001411027.1, NM_001391922.1); c.1376G>A, p.Arg459His (NM_004193.3, NM_001391924.1, NM_001391925.1 and 9 more transcripts); c.1012-640G>A (NM_001391931.1); c.1379G>A, p.Arg460His (NM_001391923.1, NM_001391926.1, NM_001199378.2); c.1451G>A, p.Arg484His (NM_001411003.1); short protein forms R459H, R460H, R484H, R492H.
Identifiers: ClinVar variation 3768808 (VCV003768808.5).